The following is an entry in ClinVar:

ClinVar aggregate classification (germline): Likely pathogenic (0 of 4 stars; one submission).

Conditions:
Developmental and epileptic encephalopathy, 31A. Also called: Epileptic encephalopathy, early infantile, 31; Developmental and epileptic encephalopathy, 31. Identifiers: Orphanet 2382, MedGen C4225357, MONDO:0014598, OMIM 616346.

Submission:

Baylor Genetics
Classification: Likely pathogenic for Developmental and epileptic encephalopathy, 31A. Last evaluated: 2015-01-29. Review status: no assertion criteria provided. Collection method: clinical testing. Allele origin: de novo. Inheritance: Autosomal dominant inheritance. Affected: yes. Observed: 1 variant allele, 1 heterozygote.
Comment: De novo missense variants in DNM1 were recently reported in five individuals with epileptic encephalopathy [PMID:25262651]. All affected individuals had severe to profound intellectual disability, hypotonia, and abnormal EEG [PMID:25262651].

NM_004408.4(DNM1):c.465_467dup (p.Gln155_Ile156insMet)

Genes: DNM1 (dynamin 1; plus strand), LOC113839516 (Sharpr-MPRA regulatory region 8497; plus strand). Cytogenetic location: 9q34.11.
Variant type: Duplication.
Coding change: c.465_467dup on transcript NM_004408.4 (MANE Select); coding-DNA positions 465 to 467, 3 bases duplicated (GAT; older notation c.465_467dupGAT).
Protein change: p.Gln155_Ile156insMet.
Molecular consequence: inframe insertion.
Genome position (GRCh38, 1-based): chr9:128,219,128-128,219,130, GAT duplicated. VCF-style (leftmost placement, unchanged base first): chr9-128219127-A-AGAT. GRCh37 (hg19) VCF-style: chr9-130981406-A-AGAT.
Other names: c.465_467dup, p.Gln155_Ile156insMet (NM_001005336.3, NM_001288737.2, NM_001288738.2 and 2 more transcripts).
Identifiers: ClinVar variation 374264 (VCV000374264.2), dbSNP rs1057518655, ClinGen allele CA16043669.
Genomic context (GRCh38, chr9:128,219,127, plus strand): 5'-TGGACCTGCCCGGAATGACCAAGGTCCCGGTGGGGGACCAACCTCCCGACATCGAGTTCC[A>AGAT]GATCCGAGACATGCTTATGCAGTTTGTCACCAAGGAGAACTGCCTCATCCTGGCCGTGTC-3'